The following is an entry in ClinVar:

ClinVar aggregate classification (germline): Uncertain significance (1 of 4 stars; one submission).

Conditions:
Progressive muscular dystrophy. Identifiers: Orphanet 206644, MedGen C4551827, MONDO:0016106.

Submission:

Myriad Genetics, Inc.
Classification: Uncertain significance for Progressive muscular dystrophy. Last evaluated: 2026-01-06. Review status: criteria provided, single submitter. Criteria: Myriad Autosomal Dominant, Autosomal Recessive and X-Linked Classification Criteria (2023). Collection method: clinical testing. Allele origin: unknown.
Comment: NM_004006.2(DMD):c.10554-56_10554-12del45 is an intronic variant classified as a variant of uncertain significance in the context of dystrophinopathy (including Duchenne/Becker muscular dystrophy). c.10554-56_10554-12del45 has not been observed in cases with relevant disease. Relevant functional assessments of this variant are not available in the literature. c.10554-56_10554-12del45 has not been observed in referenced population frequency databases. In summary, there is insufficient evidence to classify NM_004006.2(DMD):c.10554-56_10554-12del45 as pathogenic or benign. Please note: this variant was assessed in the context of healthy population screening.

NM_004006.3(DMD):c.10554-56_10554-12del

Gene: DMD (dystrophin; minus strand). Cytogenetic location: Xp21.2.
Variant type: Deletion.
Coding change: c.10554-56_10554-12del on transcript NM_004006.3 (MANE Select); 56 bases into the intron before coding-DNA position 10554 through 12 bases into the intron before coding-DNA position 10554, 45 bases deleted.
Molecular consequence: intron variant.
Genome position (GRCh38, 1-based): chrX:31,147,530-31,147,574, 45 bases deleted; deleting any 45 consecutive bases within chrX:31,147,530-31,147,584 gives the same sequence; the c. name uses the placement nearest the transcript's 3' end. GRCh37 (hg19): chrX:31,165,657-31,165,701.
Other names: c.10530-56_10530-12del (NM_000109.4); c.6531-56_6531-12del (NM_004011.4); c.6522-56_6522-12del (NM_004012.4); c.2844-56_2844-12del (NM_004023.3, NM_004020.4); c.3135-56_3135-12del (NM_004022.3); c.3174-56_3174-12del (NM_004021.3, NM_004013.3); c.2367-56_2367-12del (NM_004014.3); c.1311-56_1311-12del (NM_004018.3, NM_004017.3); and 3 more.
Identifiers: ClinVar variation 5004369 (VCV005004369.1).
Genomic context (GRCh38, chrX:31,147,529, plus strand): 5'-CTTTATGTTCGTGCTGCTGCTTTAGACGGTCATATTCTGCTTGCAGATTCCTATTGGCAT[CAAAAAAGTAAAAAAGAAAAAAAAAGAAAGAAAAAGAAAAAGAAGA>C]AAAAAAGTAATTTGAATATCATCACCAAATTTTATATACCATGGTAGATAGATGCATCTG-3'